The following is an entry in ClinVar:

ClinVar aggregate classification (germline): Pathogenic. Review status: criteria provided, multiple submitters, no conflicts (2 of 4 stars). 4 submissions from 4 submitters: Pathogenic (3). 1 of the submissions does not count toward it. Last evaluated 2025-07-09.

Conditions:
Propionic acidemia (PROP). Also called: GLYCINEMIA, KETOTIC; HYPERGLYCINEMIA WITH KETOACIDOSIS AND LEUKOPENIA; KETOTIC HYPERGLYCINEMIA. Identifiers: Orphanet 35, MedGen C0268579, MONDO:0011628, OMIM 606054, HP:0003571.

Allele frequency attached by ClinVar (database versions not stated): ExAC 0.00002; gnomAD 0.00001; TOPMed 0.00001; gnomAD exomes 0.00001.
gnomAD v4.1: 19 of 1,614,028 alleles (0.0012%); highest among the groups gnomAD compares: Admixed American, 0.005%; no homozygotes.

Submissions (4):

Dasa
Classification: Pathogenic. Last evaluated: 2025-07-09. Review status: criteria provided, single submitter. Criteria: DASA Assertion Criteria. Collection method: clinical testing. Allele origin: germline.
Comment: NM_000282.4(PCCA):c.1788G>A (p.Trp596*) introduces a premature termination codon predicted to result in loss of normal protein function. Loss-of-function is an established mechanism of disease for this gene. This variant has been observed in affected individuals with related phenotype in a genotype context consistent with recessive disease (PMID: 27489777). This variant has been reported in individuals with related phenotype (PMID: 27489777). The variant is present at low frequency in population datasets. Based on the available data, this variant is classified as pathogenic.

Labcorp Genetics (formerly Invitae), Labcorp
Classification: Pathogenic for Propionic acidemia. Last evaluated: 2023-07-27. Review status: criteria provided, single submitter. Criteria: Invitae Variant Classification Sherloc (09022015). Collection method: clinical testing. Allele origin: germline.
Comment: For these reasons, this variant has been classified as Pathogenic. ClinVar contains an entry for this variant (Variation ID: 195456). This premature translational stop signal has been observed in individual(s) with propionic acidemia (PMID: 27489777). This variant is present in population databases (rs776496862, gnomAD 0.006%). This sequence change creates a premature translational stop signal (p.Trp596*) in the PCCA gene. It is expected to result in an absent or disrupted protein product. Loss-of-function variants in PCCA are known to be pathogenic (PMID: 15464417).

Eurofins Ntd Llc (ga)
Classification: Pathogenic. Last evaluated: 2014-12-02. Review status: criteria provided, single submitter. Criteria: EGL Classification Definitions 2015. Collection method: clinical testing. Allele origin: germline. Observed: 2 variant alleles, 2 heterozygotes.

Counsyl
Classification: Likely pathogenic for Propionic acidemia. Last evaluated: 2018-02-13. Review status: no assertion criteria provided. Collection method: clinical testing. Allele origin: unknown. Not counted in ClinVar's aggregate classification.

Literature cited by the submitters: PubMed 27489777 (cited by 3 submitters); PubMed 15464417 (cited by Labcorp Genetics (formerly Invitae), Labcorp).

NM_000282.4(PCCA):c.1788G>A (p.Trp596Ter)

Gene: PCCA (propionyl-CoA carboxylase subunit alpha; plus strand). Cytogenetic location: 13q32.3.
Variant type: single nucleotide variant.
Coding change: c.1788G>A on transcript NM_000282.4 (MANE Select); coding-DNA position 1788, G replaced by A.
Protein change: p.Trp596Ter; replaces tryptophan 596 with a stop codon.
Molecular consequence: nonsense. On other transcripts: non-coding transcript variant (5).
Genome position (GRCh38, 1-based): chr13:100,425,674, G>A. VCF-style: chr13-100425674-G-A. GRCh37 (hg19) VCF-style: chr13-101077928-G-A.
Other names: c.1710G>A, p.Trp570Ter (NM_001127692.3, NM_001352607.2); c.1788G>A, p.Trp596Ter (NM_001178004.2, NM_001352605.2, NM_001352609.2); c.1644G>A, p.Trp548Ter (NM_001352606.2); c.1566G>A, p.Trp522Ter (NM_001352608.2); c.843G>A, p.Trp281Ter (NM_001352610.2, NM_001352611.2); c.699G>A, p.Trp233Ter (NM_001352612.2); short protein forms W596*, W522*, W548*, W281*, W233*, W570*.
Identifiers: ClinVar variation 195456 (VCV000195456.16), dbSNP rs776496862, ClinGen allele CA278503.